The following is an entry in ClinVar:

NM_022455.5(NSD1):c.838G>T (p.Asp280Tyr)

Gene: NSD1 (nuclear receptor binding SET domain protein 1; plus strand). Cytogenetic location: 5q35.3.
Variant type: single nucleotide variant.
Coding change: c.838G>T on transcript NM_022455.5 (MANE Select); coding-DNA position 838, G replaced by T.
Protein change: p.Asp280Tyr; replaces aspartic acid 280 with tyrosine.
Molecular consequence: missense variant. On other transcripts: 5 prime UTR variant (7).
Genome position (GRCh38, 1-based): chr5:177,135,941, G>T. VCF-style: chr5-177135941-G-T. GRCh37 (hg19) VCF-style: chr5-176562942-G-T.
Other names: c.-36G>T (NM_001365684.2, NM_001409305.1, NM_001409306.1 and 4 more transcripts); c.838G>T, p.Asp280Tyr (NM_001409301.1, NM_001409302.1, NM_001409303.1); c.418G>T, p.Asp140Tyr (NM_001409304.1); short protein forms D140Y, D280Y.
Identifiers: ClinVar variation 3346379 (VCV003346379.1).

ClinVar aggregate classification (germline): Uncertain significance (0 of 4 stars; one submission).

Conditions:
NSD1-related disorder. Also called: NSD1-related condition.

Submission:

PreventionGenetics, part of Exact Sciences
Classification: Uncertain significance for NSD1-related condition. Last evaluated: 2024-05-21. Review status: no assertion criteria provided. Collection method: clinical testing. Allele origin: germline.
Comment: The NSD1 c.838G>T variant is predicted to result in the amino acid substitution p.Asp280Tyr. To our knowledge, this variant has not been reported in the literature or in a large population database, indicating this variant is rare. At this time, the clinical significance of this variant is uncertain due to the absence of conclusive functional and genetic evidence.